The following is an entry in ClinVar:

ClinVar aggregate classification (germline): Pathogenic (1 of 4 stars; one submission).

Conditions:
Autosomal dominant polycystic kidney disease. Identifiers: Orphanet 730, MedGen C0085413, MONDO:0004691.

Submission:

Labcorp Genetics (formerly Invitae), Labcorp
Classification: Pathogenic for Autosomal dominant polycystic kidney disease. Last evaluated: 2022-02-25. Review status: criteria provided, single submitter. Criteria: Invitae Variant Classification Sherloc (09022015). Collection method: clinical testing. Allele origin: germline.
Comment: This sequence change creates a premature translational stop signal (p.Ser219Tyrfs*12) in the PKD2 gene. It is expected to result in an absent or disrupted protein product. Loss-of-function variants in PKD2 are known to be pathogenic (PMID: 17582161, 22863349). This variant is not present in population databases (gnomAD no frequency). This variant has not been reported in the literature in individuals affected with PKD2-related conditions. For these reasons, this variant has been classified as Pathogenic.

Literature cited by the submitters: PubMed 17582161; PubMed 22863349.

NM_000297.4(PKD2):c.655_661del (p.Ser219fs)

Gene: PKD2 (polycystin 2, transient receptor potential cation channel; plus strand). Cytogenetic location: 4q22.1.
Variant type: Deletion.
Coding change: c.655_661del on transcript NM_000297.4 (MANE Select); coding-DNA positions 655 to 661, 7 bases deleted (AGTGTTT; older notation c.655_661delAGTGTTT).
Protein change: p.Ser219fs; shifts the reading frame from serine 219.
Molecular consequence: frameshift variant. On other transcripts: non-coding transcript variant (1).
Genome position (GRCh38, 1-based): chr4:88,019,517-88,019,523, AGTGTTT deleted. VCF-style (leftmost placement, unchanged base first): chr4-88019516-AAGTGTTT-A. GRCh37 (hg19) VCF-style: chr4-88940668-AAGTGTTT-A.
Other names: short protein forms S219fs.
Identifiers: ClinVar variation 2103554 (VCV002103554.4), dbSNP rs2475869382, ClinGen allele CA2580071872.